The following is an entry in ClinVar:

NM_004364.5(CEBPA):c.634C>G (p.His212Asp)

Gene: CEBPA (CCAAT enhancer binding protein alpha; minus strand). Cytogenetic location: 19q13.11.
Variant type: single nucleotide variant.
Coding change: c.634C>G on transcript NM_004364.5 (MANE Select); coding-DNA position 634, C replaced by G.
Protein change: p.His212Asp; replaces histidine 212 with aspartic acid.
Molecular consequence: missense variant.
Genome position (GRCh38, 1-based): chr19:33,301,781, G>C on the plus strand (C>G on the coding strand, the complement: CEBPA is on the minus strand). VCF-style: chr19-33301781-G-C. GRCh37 (hg19) VCF-style: chr19-33792687-G-C.
Other names: c.277C>G, p.His93Asp (NM_001285829.2); c.739C>G, p.His247Asp (NM_001287424.2); c.592C>G, p.His198Asp (NM_001287435.2); short protein forms H198D, H93D, H247D, H212D.
Identifiers: ClinVar variation 1521711 (VCV001521711.8), dbSNP rs1433126196, ClinGen allele CA405274533.

ClinVar aggregate classification (germline): Uncertain significance (1 of 4 stars; one submission).

Conditions:
Acute myeloid leukemia (AML). Also called: Leukemia, acute myeloid, somatic; Leukemia, acute myelogenous, somatic; Acute myeloid leukemia, adult; AML adult; Acute non-lymphocytic leukemia; Acute granulocytic leukemia. Identifiers: Orphanet 519, MedGen C0023467, MeSH D015470, MONDO:0018874, OMIM 601626, HP:0004808. Disease mechanism: Constitutively activated FLT3.

Submission:

Labcorp Genetics (formerly Invitae), Labcorp
Classification: Uncertain significance for Acute myeloid leukemia. Last evaluated: 2020-12-14. Review status: criteria provided, single submitter. Criteria: Invitae Variant Classification Sherloc (09022015). Collection method: clinical testing. Allele origin: germline.
Comment: Algorithms developed to predict the effect of missense changes on protein structure and function are either unavailable or do not agree on the potential impact of this missense change (SIFT: "Tolerated"; PolyPhen-2: "Probably Damaging"; Align-GVGD: "Class C0"). In summary, the available evidence is currently insufficient to determine the role of this variant in disease. Therefore, it has been classified as a Variant of Uncertain Significance. This variant has not been reported in the literature in individuals with CEBPA-related conditions. The frequency data for this variant in the population databases is considered unreliable, as metrics indicate insufficient coverage at this position in the ExAC database. This sequence change replaces histidine with aspartic acid at codon 212 of the CEBPA protein (p.His212Asp). The histidine residue is moderately conserved and there is a moderate physicochemical difference between histidine and aspartic acid.